The following is an entry in ClinVar:

NM_212482.4(FN1):c.7408G>C (p.Ala2470Pro)

Genes: ATIC (5-aminoimidazole-4-carboxamide ribonucleotide formyltransferase/IMP cyclohydrolase; plus strand), FN1 (fibronectin 1; minus strand). Cytogenetic location: 2q35.
Variant type: single nucleotide variant.
Coding change: c.7408G>C on transcript NM_212482.4 (MANE Select); coding-DNA position 7408, G replaced by C.
Protein change: p.Ala2470Pro; replaces alanine 2470 with proline.
Molecular consequence: missense variant.
Genome position (GRCh38, 1-based): chr2:215,361,581, C>G on the plus strand (G>C on the coding strand, the complement: FN1 is on the minus strand). VCF-style: chr2-215361581-C-G. GRCh37 (hg19) VCF-style: chr2-216226304-C-G.
Other names: c.7315G>C, p.Ala2439Pro (NM_001306129.2); c.6778G>C, p.Ala2260Pro (NM_001306130.2); c.6772G>C, p.Ala2258Pro (NM_001306131.2); c.6697G>C, p.Ala2233Pro (NM_001306132.2); c.7138G>C, p.Ala2380Pro (NM_001365517.2); c.7135G>C, p.Ala2379Pro (NM_001365518.2); c.7063G>C, p.Ala2355Pro (NM_001365519.2); c.7060G>C, p.Ala2354Pro (NM_001365520.2); and 8 more; short protein forms A2260P, A2324P, A2348P, A2380P, A2470P, A2169P, A2289P, A2323P.
Identifiers: ClinVar variation 915862 (VCV000915862.6), dbSNP rs778366340, ClinGen allele CA2093540.

ClinVar aggregate classification (germline): Uncertain significance. Review status: criteria provided, multiple submitters, no conflicts (2 of 4 stars). 3 submissions from 3 submitters: Uncertain significance (3). Last evaluated 2025-04-22.

Conditions:
Spondylometaphyseal dysplasia - Sutcliffe type. Also called: Spondylometaphyseal dysplasia, 'corner fracture' type; Spondylometaphyseal Dysplasia, Corner Fracture Type; Sutcliffe type of spondylometaphyseal dysplasia; Sutcliffe SMD. Identifiers: Orphanet 93315, MedGen C0432221, MONDO:0008479, OMIM 184255.
Glomerulopathy with fibronectin deposits 2 (GFND2). Identifiers: Orphanet 84090, MedGen C1866075, MONDO:0011165, OMIM 601894.
Chronic kidney disease. Identifiers: MedGen C1561643, MONDO:0005300, HP:0012622.

Allele frequency attached by ClinVar (database versions not stated): gnomAD 0.00001; gnomAD exomes 0.00001; TOPMed 0.00001; ExAC 0.00002.
gnomAD v4.1: 18 of 1,611,820 alleles (0.0011%); highest among the groups gnomAD compares: Admixed American, 0.0017%; no homozygotes.

Submissions (3):

Labcorp Genetics (formerly Invitae), Labcorp
Classification: Uncertain significance. Last evaluated: 2025-04-22. Review status: criteria provided, single submitter. Criteria: Invitae Variant Classification Sherloc (09022015). Collection method: clinical testing. Allele origin: germline.
Comment: This sequence change replaces alanine, which is neutral and non-polar, with proline, which is neutral and non-polar, at codon 2470 of the FN1 protein (p.Ala2470Pro). This variant is present in population databases (rs778366340, gnomAD 0.003%). This variant has not been reported in the literature in individuals affected with FN1-related conditions. ClinVar contains an entry for this variant (Variation ID: 915862). An algorithm developed to predict the effect of missense changes on protein structure and function (PolyPhen-2) suggests that this variant is likely to be disruptive. In summary, the available evidence is currently insufficient to determine the role of this variant in disease. Therefore, it has been classified as a Variant of Uncertain Significance.

Fulgent Genetics
Classification: Uncertain significance for Spondylometaphyseal dysplasia - Sutcliffe type; Glomerulopathy with fibronectin deposits 2. Last evaluated: 2024-05-24. Review status: criteria provided, single submitter. Criteria: ACMG Guidelines, 2015. Collection method: clinical testing. Allele origin: germline.

Cavalleri Lab, Royal College of Surgeons in Ireland
Classification: Uncertain significance for Chronic kidney disease. Last evaluated: 2020-05-28. Review status: criteria provided, single submitter. Criteria: ACMG Guidelines, 2015. Collection method: research. Allele origin: unknown. Inheritance: Autosomal dominant inheritance. Affected: yes.
Comment: PP2, PP3